The following is an entry in ClinVar:

ClinVar aggregate classification (germline): Pathogenic/Likely pathogenic. Review status: criteria provided, multiple submitters, no conflicts (2 of 4 stars). 5 submissions from 5 submitters: Pathogenic (3); Likely pathogenic (2). Last evaluated 2026-04-14.

Conditions:
ERCC4-related disorder. Also called: ERCC4-related condition.
ERCC4-Related Disorders.
Fanconi anemia complementation group Q. Identifiers: Orphanet 84, MedGen C3808988, MONDO:0014108, OMIM 615272.
Xeroderma pigmentosum, group F (XPF). Also called: XERODERMA PIGMENTOSUM, COMPLEMENTATION GROUP F; XERODERMA PIGMENTOSUM VI; XP, GROUP F; XERODERMA PIGMENTOSUM, TYPE F; Xeroderma pigmentosum, type 6; ERCC4-Related Xeroderma Pigmentosum. Identifiers: MedGen C0268140, MONDO:0010215, OMIM 278760.
Cockayne syndrome. Identifiers: Orphanet 191, MedGen C0009207, MONDO:0016006.

Allele frequency attached by ClinVar (database versions not stated): gnomAD exomes 0.00001 and 0.00002; ExAC 0.00002; TOPMed 0.00012; gnomAD 0.00013 and 0.00014.

Submissions (5):

PreventionGenetics, part of Exact Sciences
Classification: Likely pathogenic for ERCC4-related condition. Last evaluated: 2026-04-14. Review status: criteria provided, single submitter. Criteria: ACMG Guidelines, 2015. Collection method: clinical testing. Allele origin: germline.
Comment: The ERCC4 c.579G>A variant is predicted to result in premature protein termination (p.Trp193*). This variant has been reported in an individual with uterine corpus endometrial carcinoma from a cohort study of adult cancers; however, zygosity was not specified (Table S2B, Huang et al. 2018. PubMed ID: 29625052). The variant has also been reported as a germline finding in the homozygous state, along with another truncating variant in ERCC4, in one patient with osteosarcoma (eTable 5, Mirabello et al. 2020. PubMed ID: 32191290). In ClinVar, this variant is interpreted as pathogenic (ClinVar ID:1338473). This variant is reported in 0.028% of alleles in individuals of African descent in gnomAD. Nonsense variants in ERCC4 are expected to be pathogenic. This variant is interpreted as pathogenic.

Labcorp Genetics (formerly Invitae), Labcorp
Classification: Pathogenic for Fanconi anemia complementation group Q; Xeroderma pigmentosum, group F; Cockayne syndrome. Last evaluated: 2025-07-09. Review status: criteria provided, single submitter. Criteria: Invitae Variant Classification Sherloc (09022015). Collection method: clinical testing. Allele origin: germline.
Comment: This sequence change creates a premature translational stop signal (p.Trp193*) in the ERCC4 gene. It is expected to result in an absent or disrupted protein product. Loss-of-function variants in ERCC4 are known to be pathogenic (PMID: 9580660). This variant is present in population databases (rs753325454, gnomAD 0.03%). This variant has not been reported in the literature in individuals affected with ERCC4-related conditions. ClinVar contains an entry for this variant (Variation ID: 1338473). For these reasons, this variant has been classified as Pathogenic.

Women's Health and Genetics/Laboratory Corporation of America, LabCorp
Classification: Pathogenic for ERCC4-Related Disorders. Last evaluated: 2024-09-10. Review status: criteria provided, single submitter. Criteria: LabCorp Variant Classification Summary - May 2015. Collection method: clinical testing. Allele origin: germline.
Comment: Variant summary: ERCC4 c.579G>A (p.Trp193X) results in a premature termination codon, predicted to cause a truncation of the encoded protein or absence of the protein due to nonsense mediated decay, which are commonly known mechanisms for disease. The variant allele was found at a frequency of 2.4e-05 in 251380 control chromosomes, predominantly at a frequency of 0.00025 within the African or African-American subpopulation in the gnomAD database. c.579G>A has been reported in the literature in at least 2 individuals affected with malignancies (example, Huang_2018, Mirabello_2020). These report(s) do not provide unequivocal conclusions about association of the variant with ERCC4-Related Disorders. To our knowledge, no experimental evidence demonstrating an impact on protein function has been reported. The following publications have been ascertained in the context of this evaluation (PMID: 29625052, 32191290). ClinVar contains an entry for this variant (Variation ID: 1338473). Based on the evidence outlined above, the variant was classified as pathogenic.

Blueprint Genetics
Classification: Likely pathogenic for ERCC4-related disorders. Last evaluated: 2022-10-28. Review status: criteria provided, single submitter. Criteria: ACMG Guidelines, 2015. Collection method: clinical testing. Allele origin: germline. Affected: yes. Observed: 1 variant allele.

Genetic Services Laboratory, University of Chicago
Classification: Pathogenic. Last evaluated: 2019-01-03. Review status: criteria provided, single submitter. Criteria: ACMG Guidelines, 2015. Collection method: clinical testing. Allele origin: germline. Affected: yes.
Comment: DNA sequence analysis of the ERCC4 gene demonstrated a pathogenic sequence change, c.579G>A, which results in the creation of a premature stop codon at amino acid position 193, p.Trp193*. This pathogenic sequence change is predicted to result in an abnormal transcript, which may be degraded, or may lead to the production of a truncated ERCC4 protein with potentially abnormal function.

Literature cited by the submitters: PubMed 9580660 (cited by Labcorp Genetics (formerly Invitae), Labcorp); PubMed 29625052 (cited by Women's Health and Genetics/Laboratory Corporation of America, LabCorp); PubMed 32191290 (cited by Women's Health and Genetics/Laboratory Corporation of America, LabCorp).

NM_005236.3(ERCC4):c.579G>A (p.Trp193Ter)

Gene: ERCC4 (ERCC excision repair 4, endonuclease catalytic subunit; plus strand). Cytogenetic location: 16p13.12.
Variant type: single nucleotide variant.
Coding change: c.579G>A on transcript NM_005236.3 (MANE Select); coding-DNA position 579, G replaced by A.
Protein change: p.Trp193Ter; replaces tryptophan 193 with a stop codon.
Molecular consequence: nonsense.
Genome position (GRCh38, 1-based): chr16:13,926,751, G>A. VCF-style: chr16-13926751-G-A. GRCh37 (hg19) VCF-style: chr16-14020608-G-A.
Other names: short protein forms W193*.
Identifiers: ClinVar variation 1338473 (VCV001338473.12), dbSNP rs753325454, ClinGen allele CA7910224.